The following is an entry in ClinVar:

ClinVar aggregate classification (germline): Conflicting classifications of pathogenicity. Review status: criteria provided, conflicting classifications (1 of 4 stars). 2 submissions from 2 submitters: Likely pathogenic (1); Uncertain significance (1). Last evaluated 2024-11-01.

Conditions:
Hereditary cancer-predisposing syndrome. Also called: Tumor predisposition; Hereditary Cancer Syndrome; Hereditary neoplastic syndrome; Neoplastic Syndromes, Hereditary. Identifiers: Orphanet 140162, MedGen C0027672, MeSH D009386, MONDO:0015356.
Neurofibromatosis, type 2 (SWNV). Also called: SCHWANNOMATOSIS, VESTIBULAR; NF2-Related Schwannomatosis; BILATERAL ACOUSTIC NEUROFIBROMATOSIS. Identifiers: Orphanet 637, MedGen C0027832, MONDO:0007039, OMIM 101000. Disease mechanism: loss of function.

Submissions (2):

Ambry Genetics
Classification: Likely pathogenic for Hereditary cancer-predisposing syndrome. Last evaluated: 2024-11-01. Review status: criteria provided, single submitter. Criteria: Ambry Variant Classification Scheme 2023. Collection method: clinical testing. Allele origin: germline.
Comment: The c.363+3A>T intronic variant results from an A to T substitution 3 nucleotides after coding exon 3 in the NF2 gene. This nucleotide position is well conserved in available vertebrate species. This variant has been observed in at least one individual with a personal and/or family history that is consistent with NF2-related schwannomatosis (Ambry internal data). In silico splice site analysis predicts that this alteration may weaken the native splice donor site. RNA studies have demonstrated that this alteration results in abnormal splicing in the set of samples tested (Ambry internal data). Based on the majority of available evidence to date, this variant is likely to be pathogenic.

Labcorp Genetics (formerly Invitae), Labcorp
Classification: Uncertain significance for Neurofibromatosis, type 2. Last evaluated: 2016-07-02. Review status: criteria provided, single submitter. Criteria: Invitae Variant Classification Sherloc (09022015). Collection method: clinical testing. Allele origin: germline.
Comment: This sequence change falls in intron 3 of the NF2 mRNA. It does not directly change the encoded amino acid sequence of the NF2 protein, but it affects a nucleotide within the consensus splice site of the intron. This variant is not present in population databases (ExAC no frequency) and has not been reported in the literature in individuals with a NF2-related disease. Nucleotide substitutions within the consensus splice site are relatively common causes of aberrant splicing (PMID: 17576681, 9536098). Algorithms developed to predict the effect of nucleotide changes on mRNA splicing suggest that this variant may alter mRNA splicing, but this prediction has not been confirmed by published transcriptional studies. In summary, this is a novel intronic change with uncertain impact on splicing. It has been classified as a Variant of Uncertain Significance.

Literature cited by the submitters: PubMed 17576681 (cited by Labcorp Genetics (formerly Invitae), Labcorp); PubMed 9536098 (cited by Labcorp Genetics (formerly Invitae), Labcorp).

NM_000268.4(NF2):c.363+3A>T

Gene: NF2 (NF2, moesin-ezrin-radixin like (MERLIN) tumor suppressor; plus strand). Cytogenetic location: 22q12.2.
Variant type: single nucleotide variant.
Coding change: c.363+3A>T on transcript NM_000268.4 (MANE Select); 3 bases into the intron after coding-DNA position 363, A replaced by T.
Molecular consequence: intron variant.
Genome position (GRCh38, 1-based): chr22:29,639,215, A>T. VCF-style: chr22-29639215-A-T. GRCh37 (hg19) VCF-style: chr22-30035204-A-T.
Other names: c.363+3A>T (NM_016418.5, NM_181832.3, NM_181833.3 and 1 more transcripts); c.240+2339A>T (NM_181829.3); c.237+3A>T (NM_181828.3); c.115-2987A>T (NM_181830.3, NM_181831.3).
Identifiers: ClinVar variation 412203 (VCV000412203.9), dbSNP rs1060503669, ClinGen allele CA16616602.